The following is an entry in ClinVar:

NM_005188.4(CBL):c.1025G>A (p.Gly342Glu)

Gene: CBL (Cbl proto-oncogene; plus strand). Cytogenetic location: 11q23.3.
Variant type: single nucleotide variant.
Coding change: c.1025G>A on transcript NM_005188.4 (MANE Select); coding-DNA position 1025, G replaced by A.
Protein change: p.Gly342Glu; replaces glycine 342 with glutamic acid.
Molecular consequence: missense variant.
Genome position (GRCh38, 1-based): chr11:119,277,774, G>A. VCF-style: chr11-119277774-G-A. GRCh37 (hg19) VCF-style: chr11-119148484-G-A.
Other names: short protein forms G342E.
Identifiers: ClinVar variation 4219841 (VCV004219841.1).

ClinVar aggregate classification (germline): Uncertain significance (1 of 4 stars; one submission).

Conditions:
Cardiovascular phenotype. Identifiers: MedGen CN230736.

Submission:

Ambry Genetics
Classification: Uncertain significance for Cardiovascular phenotype. Last evaluated: 2025-06-22. Review status: criteria provided, single submitter. Criteria: Ambry Variant Classification Scheme 2023. Collection method: clinical testing. Allele origin: germline.
Comment: The p.G342E variant (also known as c.1025G>A), located in coding exon 7 of the CBL gene, results from a G to A substitution at nucleotide position 1025. The glycine at codon 342 is replaced by glutamic acid, an amino acid with similar properties. This amino acid position is conserved. In addition, this alteration is predicted to be deleterious by in silico analysis. Based on the available evidence, the clinical significance of this variant remains unclear.